The following is an entry in ClinVar:

NM_002485.5(NBN):c.2002A>G (p.Thr668Ala)

Gene: NBN (nibrin; minus strand). Cytogenetic location: 8q21.3.
Variant type: single nucleotide variant.
Coding change: c.2002A>G on transcript NM_002485.5 (MANE Select); coding-DNA position 2002, A replaced by G.
Protein change: p.Thr668Ala; replaces threonine 668 with alanine.
Molecular consequence: missense variant.
Genome position (GRCh38, 1-based): chr8:89,946,208, T>C on the plus strand (A>G on the coding strand, the complement: NBN is on the minus strand). VCF-style: chr8-89946208-T-C. GRCh37 (hg19) VCF-style: chr8-90958436-T-C.
Other names: c.1756A>G, p.Thr586Ala (NM_001024688.3); short protein forms T668A, T586A.
Identifiers: ClinVar variation 481849 (VCV000481849.20), dbSNP rs138913151, ClinGen allele CA4802632.

ClinVar aggregate classification (germline): Uncertain significance. Review status: criteria provided, multiple submitters, no conflicts (2 of 4 stars). 4 submissions from 4 submitters: Uncertain significance (4). Last evaluated 2025-09-27.

Conditions:
Hereditary cancer-predisposing syndrome. Also called: Hereditary neoplastic syndrome; Neoplastic Syndromes, Hereditary; Tumor predisposition; Hereditary Cancer Syndrome. Identifiers: Orphanet 140162, MedGen C0027672, MeSH D009386, MONDO:0015356.
Microcephaly, normal intelligence and immunodeficiency (NBS). Also called: IMMUNODEFICIENCY, MICROCEPHALY, AND CHROMOSOMAL INSTABILITY; SEEMANOVA SYNDROME II; Nijmegen breakage syndrome; Microcephaly with normal intelligence immunodeficiency and lymphoreticular malignancies; Nonsyndromal microcephaly autosomal recessive with normal intelligence; Seemanova syndrome 2. Identifiers: Orphanet 647, MedGen C0398791, MONDO:0009623, OMIM 251260.

Allele frequency attached by ClinVar (database versions not stated): gnomAD exomes below 0.00001 and 0.00001; ExAC 0.00002; gnomAD 0.00003; TOPMed 0.00003; ESP Exome Variant Server 0.00008.
gnomAD v4.1: 5 of 1,600,150 alleles (0.00031%); highest among the groups gnomAD compares: African/African-American, 0.0054%; no homozygotes.

Submissions (4):

Ambry Genetics
Classification: Uncertain significance for Hereditary cancer-predisposing syndrome. Last evaluated: 2025-09-27. Review status: criteria provided, single submitter. Criteria: Ambry Variant Classification Scheme 2023. Collection method: clinical testing. Allele origin: germline.
Comment: The p.T668A variant (also known as c.2002A>G), located in coding exon 13 of the NBN gene, results from an A to G substitution at nucleotide position 2002. The threonine at codon 668 is replaced by alanine, an amino acid with similar properties. This amino acid position is poorly conserved in available vertebrate species. In addition, this alteration is predicted to be tolerated by in silico analysis. Since supporting evidence is limited at this time, the clinical significance of this alteration remains unclear.

GeneDx
Classification: Uncertain significance. Last evaluated: 2024-08-28. Review status: criteria provided, single submitter. Criteria: GeneDx Variant Classification Process June 2021. Collection method: clinical testing. Allele origin: germline. Affected: yes.
Comment: Not observed at significant frequency in large population cohorts (gnomAD); In silico analysis indicates that this missense variant does not alter protein structure/function; Has not been previously published as pathogenic or benign to our knowledge

Labcorp Genetics (formerly Invitae), Labcorp
Classification: Uncertain significance for Microcephaly, normal intelligence and immunodeficiency. Last evaluated: 2022-10-13. Review status: criteria provided, single submitter. Criteria: Invitae Variant Classification Sherloc (09022015). Collection method: clinical testing. Allele origin: germline.
Comment: This sequence change replaces threonine, which is neutral and polar, with alanine, which is neutral and non-polar, at codon 668 of the NBN protein (p.Thr668Ala). This variant is present in population databases (rs138913151, gnomAD 0.02%). This variant has not been reported in the literature in individuals affected with NBN-related conditions. ClinVar contains an entry for this variant (Variation ID: 481849). Algorithms developed to predict the effect of missense changes on protein structure and function output the following: SIFT: "Tolerated"; PolyPhen-2: "Benign"; Align-GVGD: "Class C0". The alanine amino acid residue is found in multiple mammalian species, which suggests that this missense change does not adversely affect protein function. In summary, the available evidence is currently insufficient to determine the role of this variant in disease. Therefore, it has been classified as a Variant of Uncertain Significance.

Genome-Nilou Lab
Classification: Uncertain significance for Microcephaly, normal intelligence and immunodeficiency. Last evaluated: 2021-11-07. Review status: criteria provided, single submitter. Criteria: ACMG Guidelines, 2015. Collection method: clinical testing. Allele origin: germline. Affected: no.